The following is an entry in ClinVar:

ClinVar aggregate classification (germline): Uncertain significance (1 of 4 stars; one submission).

Conditions:
Congenital contractural arachnodactyly (CCA). Also called: BEALS SYNDROME; Arthrogryposis, distal, type 9; Beals-Hecht syndrome. Identifiers: Orphanet 115, MedGen C0220668, MONDO:0007363, OMIM 121050.

Submission:

Labcorp Genetics (formerly Invitae), Labcorp
Classification: Uncertain significance for Congenital contractural arachnodactyly. Last evaluated: 2019-01-30. Review status: criteria provided, single submitter. Criteria: Invitae Variant Classification Sherloc (09022015). Collection method: clinical testing. Allele origin: germline.
Comment: This variant results in a copy number gain of the genomic region encompassing exons 37-47 of the FBN2 gene. While the exact position of this variant cannot be determined from this data, sub-genic copy number gains are generally in tandem (PMID: 25640679). This variant would be expected to be in-frame, preserving the integrity of the reading frame. In summary, the available evidence is currently insufficient to determine the role of this variant in disease. Therefore, it has been classified as a Variant of Uncertain Significance.

NC_000005.10:g.(?_128301372)_(128312805_?)dup

Gene: FBN2 (fibrillin 2; minus strand). Cytogenetic location: 5q23.3.
Variant type: Duplication.
Identifiers: ClinVar variation 831807 (VCV000831807.1).